The following is an entry in ClinVar:

NM_000179.3(MSH6):c.3674_3690del (p.Thr1225fs)

Gene: MSH6 (mutS homolog 6; plus strand). Cytogenetic location: 2p16.3.
Variant type: Deletion.
Coding change: c.3674_3690del on transcript NM_000179.3 (MANE Select); coding-DNA positions 3674 to 3690, 17 bases deleted (CGGCAATAGCAAATGCA).
Protein change: p.Thr1225fs; shifts the reading frame from threonine 1225.
Molecular consequence: frameshift variant.
Genome position (GRCh38, 1-based): chr2:47,806,231-47,806,247, CGGCAATAGCAAATGCA deleted; deleting any 17 consecutive bases within chr2:47,806,230-47,806,247 gives the same sequence; the c. name uses the placement nearest the transcript's 3' end. VCF-style (leftmost placement, unchanged base first): chr2-47806229-GACGGCAATAGCAAATGC-G. GRCh37 (hg19) VCF-style: chr2-48033368-GACGGCAATAGCAAATGC-G.
Other names: c.3284_3300del, p.Thr1095fs (NM_001281492.2); c.2768_2784del, p.Thr923fs (NM_001281493.2, NM_001281494.2); c.3770_3786del17, p.Thr1257Serfs (NM_001406795.1, NM_001406802.1); c.3674_3690del17, p.Thr1225Serfs (NM_001406796.1, NM_001406800.1, NM_001406808.1 and 1 more transcripts); c.3377_3393del17, p.Thr1126Serfs (NM_001406797.1, NM_001406801.1, NM_001406805.1 and 10 more transcripts); c.3500_3516del17, p.Thr1167Serfs (NM_001406798.1); c.3149_3165del17, p.Thr1050Serfs (NM_001406799.1, NM_001406806.1, NM_001406807.1); c.2810_2826del17, p.Thr937Serfs (NM_001406803.1); and 8 more; short protein forms T1095fs, T923fs, T1225fs.
Identifiers: ClinVar variation 1733817 (VCV001733817.2), dbSNP rs2530838757, ClinGen allele CA2580067277.

ClinVar aggregate classification (germline): Pathogenic (1 of 4 stars; one submission).

Conditions:
Hereditary cancer-predisposing syndrome. Also called: Neoplastic Syndromes, Hereditary; Tumor predisposition; Hereditary Cancer Syndrome; Hereditary neoplastic syndrome. Identifiers: Orphanet 140162, MedGen C0027672, MeSH D009386, MONDO:0015356.

Submission:

Ambry Genetics
Classification: Pathogenic for Hereditary cancer-predisposing syndrome. Last evaluated: 2021-11-12. Review status: criteria provided, single submitter. Criteria: Ambry Variant Classification Scheme 2023. Collection method: clinical testing. Allele origin: germline.
Comment: The c.3674_3690del17 pathogenic mutation, located in coding exon 8 of the MSH6 gene, results from a deletion of 17 nucleotides at nucleotide positions 3674 to 3690, causing a translational frameshift with a predicted alternate stop codon (p.T1225Sfs*3). This alteration is expected to result in loss of function by premature protein truncation or nonsense-mediated mRNA decay. As such, this alteration is interpreted as a disease-causing mutation.